The following is an entry in ClinVar:

NM_152594.3(SPRED1):c.939G>A (p.Thr313=)

Gene: SPRED1 (sprouty related EVH1 domain containing 1; plus strand). Cytogenetic location: 15q14.
Variant type: single nucleotide variant.
Coding change: c.939G>A on transcript NM_152594.3 (MANE Select); coding-DNA position 939, G replaced by A.
Protein change: p.Thr313=; no amino-acid change (threonine 313 retained).
Molecular consequence: synonymous variant.
Genome position (GRCh38, 1-based): chr15:38,351,268, G>A. VCF-style: chr15-38351268-G-A. GRCh37 (hg19) VCF-style: chr15-38643469-G-A.
Identifiers: ClinVar variation 241992 (VCV000241992.63), dbSNP rs140644874, ClinGen allele CA7470207.
Genomic context (GRCh38, chr15:38,351,268, plus strand): 5'-GTACTCTTGTGGGGATGAGACTAAGTTAAGTTCACCCAAAGACTCTGTGGTATTTAAGAC[G>A]CAGCCTTCCTCATTAAAAATTAAGAAGTCAAAACGAAGAAAAGAGGATGGTGAACGTTCT-3'
Protein context (NP_689807.1, residues 303-323): SSPKDSVVFK[Thr313=]QPSSLKIKKS

ClinVar aggregate classification (germline): Benign/Likely benign. Review status: criteria provided, multiple submitters, no conflicts (2 of 4 stars). 11 submissions from 11 submitters: Benign (4); Likely benign (5). 2 of the submissions do not count toward it. Last evaluated 2026-07-01.

Conditions:
Noonan syndrome and Noonan-related syndrome. Identifiers: Orphanet 98733, MedGen C5681679, MONDO:0020297.
Cardiovascular phenotype. Identifiers: MedGen CN230736.
Legius syndrome. Identifiers: Orphanet 137605, MedGen C1969623, MONDO:0012669, OMIM 611431. Disease mechanism: loss of function.

Allele frequency attached by ClinVar (database versions not stated): ESP Exome Variant Server 0.00046; 1000 Genomes Project 30x 0.00047; TOPMed 0.00049; 1000 Genomes Project 0.00060; gnomAD 0.00070.
gnomAD v4.1: 1,198 of 1,614,090 alleles (0.074%); highest among the groups gnomAD compares: Non-Finnish European, 0.088%; no homozygotes.

Submissions (11):

CeGaT Center for Human Genetics Tuebingen
Classification: Likely benign. Last evaluated: 2026-07-01. Review status: criteria provided, single submitter. Criteria: CeGaT Center For Human Genetics Tuebingen Variant Classification Criteria Version 2. Collection method: clinical testing. Allele origin: germline. Affected: yes. Observed: 22 variant alleles.
Comment: SPRED1: BP4, BP7

Labcorp Genetics (formerly Invitae), Labcorp
Classification: Benign for Legius syndrome. Last evaluated: 2026-02-03. Review status: criteria provided, single submitter. Criteria: Invitae Variant Classification Sherloc (09022015). Collection method: clinical testing. Allele origin: germline.

Blueprint Genetics
Classification: Likely benign. Last evaluated: 2024-11-19. Review status: criteria provided, single submitter. Criteria: ACMG Guidelines, 2015. Collection method: clinical testing. Allele origin: germline.

Ambry Genetics
Classification: Likely benign for Cardiovascular phenotype. Last evaluated: 2022-04-09. Review status: criteria provided, single submitter. Criteria: Ambry Variant Classification Scheme 2023. Collection method: clinical testing. Allele origin: germline.

GeneDx
Classification: Likely benign. Last evaluated: 2020-07-31. Review status: criteria provided, single submitter. Criteria: GeneDx Variant Classification Process June 2021. Collection method: clinical testing. Allele origin: germline. Affected: yes.
Comment: This variant is associated with the following publications: (PMID: 28150585)

Genome Diagnostics Laboratory, The Hospital for Sick Children
Classification: Benign for Noonan syndrome and Noonan-related syndrome. Last evaluated: 2019-11-01. Review status: criteria provided, single submitter. Criteria: ACMG Guidelines, 2015. Collection method: clinical testing. Allele origin: germline.

Illumina Laboratory Services, Illumina
Classification: Likely benign for Legius syndrome. Last evaluated: 2018-01-13. Review status: criteria provided, single submitter. Criteria: ICSL Variant Classification Criteria 13 December 2019. Collection method: clinical testing. Allele origin: germline.
Comment: This variant was observed in the ICSL laboratory as part of a predisposition screen in an ostensibly healthy population. It had not been previously curated by ICSL or reported in the Human Gene Mutation Database (HGMD: prior to June 1st, 2018), and was therefore a candidate for classification through an automated scoring system. Utilizing variant allele frequency, disease prevalence and penetrance estimates, and inheritance mode, an automated score was calculated to assess if this variant is too frequent to cause the disease. Based on the score and internal cut-off values, a variant classified as likely benign is not then subjected to further curation. The score for this variant resulted in a classification of likely benign for this disease.

Laboratory for Molecular Medicine, Mass General Brigham Personalized Medicine
Classification: Benign. Last evaluated: 2017-11-14. Review status: criteria provided, single submitter. Criteria: LMM Criteria. Collection method: clinical testing. Allele origin: germline. Observed: 1 variant allele.
Comment: p.Thr313Thr in exon 7 of SPRED1: This variant is not expected to have clinical s ignificance because it does not alter an amino acid residue, is not located with in the splice consensus sequence, and has been identified in 0.1% (35/25780) of African American chromosomes by the Genome Aggregation Database (gnomAD; dbSNP rs140644874).

Women's Health and Genetics/Laboratory Corporation of America, LabCorp
Classification: Benign. Last evaluated: 2017-04-18. Review status: criteria provided, single submitter. Criteria: LabCorp Variant Classification Summary - May 2015. Collection method: clinical testing. Allele origin: germline.
Comment: Variant summary: The SPRED1 c.939G>A (p.Thr313Thr) variant involves the alteration of a non-conserved nucleotide, resulting in a synonymous change. One in silico tool predicts a damaging outcome for this variant. 4/5 splice prediction tools predict no significant impact on normal splicing. ESE finder predicts that this variant may affect binding of multiple ESE sites. However, no functional studies are available to confirm these predictions. This variant was found in 78/121206 control chromosomes from ExAC at a frequency of 0.0006435, which is approximately 257 times the estimated maximal expected allele frequency of a pathogenic SPRED1 variant (0.0000025), therefore this variant is likely a benign polymorphism. In addition, multiple clinical diagnostic laboratories/reputable databases have classified this variant as benign. Taken together, this variant is classified as Benign.

Clinical Genetics, Academic Medical Center
Classification: Benign. Review status: no assertion criteria provided. Collection method: clinical testing. Allele origin: germline. Affected: yes. Study: VKGL Data-share Consensus. Not counted in ClinVar's aggregate classification.

Joint Genome Diagnostic Labs from Nijmegen and Maastricht, Radboudumc and MUMC+
Classification: Likely benign. Review status: no assertion criteria provided. Collection method: clinical testing. Allele origin: germline. Affected: yes. Study: VKGL Data-share Consensus. Not counted in ClinVar's aggregate classification.